The following is an entry in ClinVar:

NM_016203.4(PRKAG2):c.114G>C (p.Pro38=)

Gene: PRKAG2 (protein kinase AMP-activated non-catalytic subunit gamma 2; minus strand). Cytogenetic location: 7q36.1.
Variant type: single nucleotide variant.
Coding change: c.114G>C on transcript NM_016203.4 (MANE Select); coding-DNA position 114, G replaced by C.
Protein change: p.Pro38=; no amino-acid change (proline 38 retained).
Molecular consequence: synonymous variant.
Genome position (GRCh38, 1-based): chr7:151,876,507, C>G on the plus strand (G>C on the coding strand, the complement: PRKAG2 is on the minus strand). VCF-style: chr7-151876507-C-G. GRCh37 (hg19) VCF-style: chr7-151573592-C-G.
Identifiers: ClinVar variation 465338 (VCV000465338.7), dbSNP rs397517261, ClinGen allele CA458679834.

ClinVar aggregate classification (germline): Uncertain significance (1 of 4 stars; one submission).

Conditions:
Lethal congenital glycogen storage disease of heart. Also called: GLYCOGEN STORAGE DISEASE OF HEART; PHOSPHORYLASE KINASE DEFICIENCY OF HEART. Identifiers: Orphanet 439854, MedGen C1849813, MONDO:0009867, OMIM 261740.

gnomAD v4.1: 1 of 1,605,192 alleles (0.000062%); no homozygotes.

Submission:

Labcorp Genetics (formerly Invitae), Labcorp
Classification: Uncertain significance for Lethal congenital glycogen storage disease of heart. Last evaluated: 2018-09-13. Review status: criteria provided, single submitter. Criteria: Invitae Variant Classification Sherloc (09022015). Collection method: clinical testing. Allele origin: germline.
Comment: This sequence change affects codon 38 of the PRKAG2 mRNA. It is a 'silent' change, meaning that it does not change the encoded amino acid sequence of the PRKAG2 protein. It falls at the last nucleotide of exon 1 of the PRKAG2 coding sequence. This variant is not present in population databases (ExAC no frequency) and has not been reported in the literature in individuals with a PRKAG2-related disease. Algorithms developed to predict the effect of sequence changes on RNA splicing suggest that this variant may alter RNA splicing, but this prediction has not been confirmed by published transcriptional studies. In summary, this is a novel silent change with uncertain impact on splicing. It has been classified as a Variant of Uncertain Significance.